The following is an entry in ClinVar:

NM_032608.7(MYO18B):c.3506C>G (p.Ala1169Gly)

Gene: MYO18B (myosin XVIIIB; plus strand). Cytogenetic location: 22q12.1.
Variant type: single nucleotide variant.
Coding change: c.3506C>G on transcript NM_032608.7 (MANE Select); coding-DNA position 3506, C replaced by G.
Protein change: p.Ala1169Gly; replaces alanine 1169 with glycine.
Molecular consequence: missense variant.
Genome position (GRCh38, 1-based): chr22:25,846,237, C>G. VCF-style: chr22-25846237-C-G. GRCh37 (hg19) VCF-style: chr22-26242204-C-G.
Other names: c.3509C>G, p.Ala1170Gly (NM_001318245.2); short protein forms A1170G, A1169G.
Identifiers: ClinVar variation 1483869 (VCV001483869.8), dbSNP rs371049978, ClinGen allele CA10160578.

ClinVar aggregate classification (germline): Uncertain significance (1 of 4 stars; one submission).

Allele frequency attached by ClinVar (database versions not stated): gnomAD exomes below 0.00001 and 0.00001; ExAC 0.00001; TOPMed 0.00002; gnomAD 0.00004; ESP Exome Variant Server 0.00008.
gnomAD v4.1: 7 of 1,612,130 alleles (0.00043%); highest among the groups gnomAD compares: African/African-American, 0.0093%; no homozygotes.

Submission:

Labcorp Genetics (formerly Invitae), Labcorp
Classification: Uncertain significance. Last evaluated: 2022-07-26. Review status: criteria provided, single submitter. Criteria: Invitae Variant Classification Sherloc (09022015). Collection method: clinical testing. Allele origin: germline.
Comment: In summary, the available evidence is currently insufficient to determine the role of this variant in disease. Therefore, it has been classified as a Variant of Uncertain Significance. Algorithms developed to predict the effect of missense changes on protein structure and function are either unavailable or do not agree on the potential impact of this missense change (SIFT: "Not Available"; PolyPhen-2: "Possibly Damaging"; Align-GVGD: "Not Available"). ClinVar contains an entry for this variant (Variation ID: 1483869). This variant has not been reported in the literature in individuals affected with MYO18B-related conditions. This variant is present in population databases (rs371049978, gnomAD 0.01%). This sequence change replaces alanine, which is neutral and non-polar, with glycine, which is neutral and non-polar, at codon 1169 of the MYO18B protein (p.Ala1169Gly).